The following is an entry in ClinVar:

NM_002691.4(POLD1):c.3217A>G (p.Ser1073Gly)

Gene: POLD1 (DNA polymerase delta 1, catalytic subunit; plus strand). Cytogenetic location: 19q13.33.
Variant type: single nucleotide variant.
Coding change: c.3217A>G on transcript NM_002691.4 (MANE Select); coding-DNA position 3217, A replaced by G.
Protein change: p.Ser1073Gly; replaces serine 1073 with glycine.
Molecular consequence: missense variant. On other transcripts: non-coding transcript variant (1).
Genome position (GRCh38, 1-based): chr19:50,417,268, A>G. VCF-style: chr19-50417268-A-G. GRCh37 (hg19) VCF-style: chr19-50920525-A-G.
Other names: c.3217A>G, p.Ser1073Gly (NM_001256849.1); c.3295A>G, p.Ser1099Gly (NM_001308632.1); c.3217A>G (NM_002691.2); short protein forms S1073G, S1099G.
Identifiers: ClinVar variation 566651 (VCV000566651.11), dbSNP rs752376126, ClinGen allele CA9596791.

ClinVar aggregate classification (germline): Uncertain significance. Review status: criteria provided, multiple submitters, no conflicts (2 of 4 stars). 2 submissions from 2 submitters: Uncertain significance (2). Last evaluated 2026-06-12.

Conditions:
POLD1-related polyposis and colorectal cancer syndrome (CRCS10). Also called: Colorectal cancer 10; COLORECTAL CANCER, SUSCEPTIBILITY TO, ON CHROMOSOME 19q; Colorectal cancer, susceptibility to, 10. Identifiers: Orphanet 220460, MedGen C2675481, MONDO:0012953, OMIM 612591.
Hereditary cancer-predisposing syndrome. Also called: Tumor predisposition; Neoplastic Syndromes, Hereditary; Hereditary Cancer Syndrome; Hereditary neoplastic syndrome. Identifiers: Orphanet 140162, MedGen C0027672, MeSH D009386, MONDO:0015356.

Allele frequency attached by ClinVar (database versions not stated): gnomAD exomes below 0.00001; gnomAD 0.00001; TOPMed 0.00001; ExAC 0.00003.
gnomAD v4.1: 3 of 1,588,956 alleles (0.00019%); highest among the groups gnomAD compares: African/African-American, 0.004%; no homozygotes.

Submissions (2):

Ambry Genetics
Classification: Uncertain significance for Hereditary cancer-predisposing syndrome. Last evaluated: 2026-06-12. Review status: criteria provided, single submitter. Criteria: Ambry Variant Classification Scheme 2023. Collection method: clinical testing. Allele origin: germline.
Comment: The p.S1073G variant (also known as c.3217A>G), located in coding exon 25 of the POLD1 gene, results from an A to G substitution at nucleotide position 3217. The serine at codon 1073 is replaced by glycine, an amino acid with similar properties. This amino acid position is highly conserved in available vertebrate species. In addition, this alteration is predicted to be tolerated by in silico analysis. Based on the available evidence, the clinical significance of this variant remains unclear.

Labcorp Genetics (formerly Invitae), Labcorp
Classification: Uncertain significance for POLD1-related polyposis and colorectal cancer syndrome. Last evaluated: 2025-08-31. Review status: criteria provided, single submitter. Criteria: Invitae Variant Classification Sherloc (09022015). Collection method: clinical testing. Allele origin: germline.
Comment: This sequence change replaces serine, which is neutral and polar, with glycine, which is neutral and non-polar, at codon 1073 of the POLD1 protein (p.Ser1073Gly). The frequency data for this variant in the population databases is considered unreliable, as metrics indicate poor data quality at this position in the gnomAD database. This variant has not been reported in the literature in individuals affected with POLD1-related conditions. ClinVar contains an entry for this variant (Variation ID: 566651). An algorithm developed to predict the effect of missense changes on protein structure and function (PolyPhen-2) suggests that this variant is likely to be disruptive. In summary, the available evidence is currently insufficient to determine the role of this variant in disease. Therefore, it has been classified as a Variant of Uncertain Significance.